The following is an entry in ClinVar:

ClinVar aggregate classification (germline): Pathogenic (1 of 4 stars; one submission).

Conditions:
Bloom syndrome (BLM). Also called: Bloom-Torre-Machacek syndrome. Identifiers: Orphanet 125, MedGen C0005859, MONDO:0008876, OMIM 210900.

Submission:

Labcorp Genetics (formerly Invitae), Labcorp
Classification: Pathogenic for Bloom syndrome. Last evaluated: 2022-08-16. Review status: criteria provided, single submitter. Criteria: Invitae Variant Classification Sherloc (09022015). Collection method: clinical testing. Allele origin: germline.
Comment: This variant is a gross deletion of the genomic region encompassing exon(s) 2-5 of the BLM gene, which includes the initiator codon. This deletion extends beyond the assayed region for this gene and therefore may encompass additional genes. It is expected to result in an absent or disrupted protein product. Loss-of-function variants in BLM are known to be pathogenic (PMID: 17407155). This variant has not been reported in the literature in individuals affected with BLM-related conditions. For these reasons, this variant has been classified as Pathogenic.

Literature cited by the submitters: PubMed 17407155.

NC_000015.9:g.(?_91290623)_(91298188_?)del

Gene: BLM (BLM RecQ like helicase; plus strand). Cytogenetic location: 15q26.1.
Variant type: Deletion.
Identifiers: ClinVar variation 1076035 (VCV001076035.6).